The following is an entry in ClinVar:

NM_024417.5(FDXR):c.1416G>A (p.Thr472=)

Gene: FDXR (ferredoxin reductase; minus strand). Cytogenetic location: 17q25.1.
Variant type: single nucleotide variant.
Coding change: c.1416G>A on transcript NM_024417.5 (MANE Select); coding-DNA position 1416, G replaced by A.
Protein change: p.Thr472=; no amino-acid change (threonine 472 retained).
Molecular consequence: synonymous variant. On other transcripts: non-coding transcript variant (1).
Genome position (GRCh38, 1-based): chr17:74,862,877, C>T on the plus strand (G>A on the coding strand, the complement: FDXR is on the minus strand). VCF-style: chr17-74862877-C-T. GRCh37 (hg19) VCF-style: chr17-72858999-C-T.
Other names: c.1416G>A (NM_024417.4); c.1545G>A, p.Thr515= (NM_001258012.4); c.1509G>A, p.Thr503= (NM_001258013.4); c.1392G>A, p.Thr464= (NM_001258014.4); c.1296G>A, p.Thr432= (NM_001258015.3); c.1260G>A, p.Thr420= (NM_001258016.3); c.1434G>A, p.Thr478= (NM_004110.6).
Identifiers: ClinVar variation 4936853 (VCV004936853.2).

ClinVar aggregate classification (germline): Likely benign. Review status: criteria provided, multiple submitters, no conflicts (2 of 4 stars). 2 submissions from 2 submitters: Likely benign (2). Last evaluated 2025-07-22.

Conditions:
FDXR-related disorder. Also called: FDXR-related condition; FDXR-related disorders.

gnomAD v4.1: 69 of 1,613,228 alleles (0.0043%); highest among the groups gnomAD compares: African/African-American, 0.055%; no homozygotes.

Submissions (2):

PreventionGenetics, part of Exact Sciences
Classification: Likely benign for FDXR-related condition. Last evaluated: 2025-07-22. Review status: criteria provided, single submitter. Criteria: ACMG Guidelines, 2015. Collection method: clinical testing. Allele origin: germline.
Comment: This variant is classified as likely benign based on ACMG/AMP sequence variant interpretation guidelines (Richards et al. 2015 PMID: 25741868, with internal and published modifications).

Blueprint Genetics
Classification: Likely benign. Last evaluated: 2024-09-04. Review status: criteria provided, single submitter. Criteria: ACMG Guidelines, 2015. Collection method: clinical testing. Allele origin: germline.